The following is an entry in ClinVar:

NM_020297.4(ABCC9):c.4211+2T>C

Genes: ABCC9 (ATP binding cassette subfamily C member 9; minus strand), KCNJ8-AS1 (KCNJ8 antisense RNA 1; plus strand). Cytogenetic location: 12p12.1.
Variant type: single nucleotide variant.
Coding change: c.4211+2T>C on transcript NM_020297.4 (MANE Select); the canonical splice donor site of the intron after coding-DNA position 4211, T replaced by C.
Molecular consequence: splice donor variant.
Genome position (GRCh38, 1-based): chr12:21,812,047, A>G on the plus strand (T>C on the coding strand, the complement: ABCC9 is on the minus strand). VCF-style: chr12-21812047-A-G. GRCh37 (hg19) VCF-style: chr12-21964981-A-G.
Other names: c.3344+2T>C (NM_001377274.1); c.4211+2T>C (NM_005691.4, NM_001377273.1).
Identifiers: ClinVar variation 1355082 (VCV001355082.8), dbSNP rs2137148346, ClinGen allele CA384134756.

ClinVar aggregate classification (germline): Likely pathogenic (1 of 4 stars; one submission).

Conditions:
Dilated cardiomyopathy 1O (CMD1O). Also called: CARDIOMYOPATHY, DILATED, WITH VENTRICULAR TACHYCARDIA. Identifiers: Orphanet 154, MedGen C1837839, MONDO:0012062, OMIM 608569.

Submission:

Labcorp Genetics (formerly Invitae), Labcorp
Classification: Likely pathogenic for Dilated cardiomyopathy 1O. Last evaluated: 2024-10-07. Review status: criteria provided, single submitter. Criteria: Invitae Variant Classification Sherloc (09022015). Collection method: clinical testing. Allele origin: germline.
Comment: This sequence change affects a donor splice site in intron 34 of the ABCC9 gene. It is expected to disrupt RNA splicing. Variants that disrupt the donor or acceptor splice site typically lead to a loss of protein function (PMID: 16199547), and loss-of-function variants in ABCC9 are known to be pathogenic (PMID: 31575858, 38217872). This variant is not present in population databases (gnomAD no frequency). This variant has not been reported in the literature in individuals affected with ABCC9-related conditions. ClinVar contains an entry for this variant (Variation ID: 1355082). Algorithms developed to predict the effect of sequence changes on RNA splicing suggest that this variant may disrupt the consensus splice site. In summary, the currently available evidence indicates that the variant is pathogenic, but additional data are needed to prove that conclusively. Therefore, this variant has been classified as Likely Pathogenic.

Literature cited by the submitters: PubMed 16199547; PubMed 31575858; PubMed 38217872.